The following is an entry in ClinVar:

NM_033305.3(VPS13A):c.9321_9322del (p.Cys3107_Glu3108delinsTer)

Gene: VPS13A (vacuolar protein sorting 13 homolog A; plus strand). Cytogenetic location: 9q21.2.
Variant type: Microsatellite.
Coding change: c.9321_9322del on transcript NM_033305.3 (MANE Select); coding-DNA positions 9321 to 9322, 2 bases deleted (TG; older notation c.9321_9322delTG).
Protein change: p.Cys3107_Glu3108delinsTer.
Molecular consequence: nonsense.
Genome position (GRCh38, 1-based): chr9:77,405,909-77,405,910, TG deleted; deleting any 2 consecutive bases within chr9:77,405,906-77,405,910 gives the same sequence; the c. name uses the placement nearest the transcript's 3' end. VCF-style (leftmost placement, unchanged base first): chr9-77405905-CGT-C. GRCh37 (hg19) VCF-style: chr9-80020821-CGT-C.
Other names: c.9204_9205del, p.Cys3068_Glu3069delinsTer (NM_001018037.2).
Identifiers: ClinVar variation 4816437 (VCV004816437.1).
Genomic context (GRCh38, chr9:77,405,905, plus strand): 5'-TTTGTTTTTCTTTTTGCAGTGGTGTATTGTTTGTAACAAAGGGAACATTTGGACAACTCA[CGT>C]GTGAGTGGCAGTATAGTTTTGATGAATTTACCAAAGAGCCATTCATTGTTCATGGGAGAA-3'

ClinVar aggregate classification (germline): Likely pathogenic (1 of 4 stars; one submission).

Conditions:
VPS13A-related neurodegenerative disease. Also called: LEVINE-CRITCHLEY SYNDROME; Choreaacanthocytosis; ACANTHOCYTOSIS WITH NEUROLOGIC DISORDER; Choreoacanthocytosis; Chorea-acanthocytosis; VPS13A Disease. Identifiers: Orphanet 2388, MedGen C0393576, MONDO:0008695, OMIM 200150.

Submission:

Natera, Inc.
Classification: Likely pathogenic for Choreaacanthocytosis. Last evaluated: 2024-05-24. Review status: criteria provided, single submitter. Criteria: Natera Variant Classification Schema (03/2026). Collection method: clinical testing. Allele origin: germline.
Comment: The c.9321_9322del variant in VPS13A is a frameshift variant predicted to shift the reading frame and introduce a stop codon. This variant is expected to result in nonsense mediated decay, truncation, or a dysfunctional protein product. This variant is rare in the general population with a frequency below the threshold expected for the associated phenotype(s). Given the available evidence, this variant is classified as Likely Pathogenic.